The following is an entry in ClinVar:

NM_000368.5(TSC1):c.1300A>G (p.Arg434Gly)

Gene: TSC1 (TSC complex subunit 1; minus strand). Cytogenetic location: 9q34.13.
Variant type: single nucleotide variant.
Coding change: c.1300A>G on transcript NM_000368.5 (MANE Select); coding-DNA position 1300, A replaced by G.
Protein change: p.Arg434Gly; replaces arginine 434 with glycine.
Molecular consequence: missense variant. On other transcripts: non-coding transcript variant (5).
Genome position (GRCh38, 1-based): chr9:132,907,334, T>C on the plus strand (A>G on the coding strand, the complement: TSC1 is on the minus strand). VCF-style: chr9-132907334-T-C. GRCh37 (hg19) VCF-style: chr9-135782721-T-C.
Other names: c.937A>G, p.Arg313Gly (NM_001406615.1, NM_001406616.1, NM_001406617.1 and 5 more transcripts); c.934A>G, p.Arg312Gly (NM_001406620.1, NM_001406621.1, NM_001406622.1 and 2 more transcripts); c.349A>G, p.Arg117Gly (NM_001406626.1); c.346A>G, p.Arg116Gly (NM_001406627.1, NM_001406628.1); c.247A>G, p.Arg83Gly (NM_001406629.1, NM_001406630.1); c.1300A>G, p.Arg434Gly (NM_001406596.1, NM_001406601.1, NM_001406602.1 and 7 more transcripts); c.1297A>G, p.Arg433Gly (NM_001406597.1, NM_001406598.1, NM_001406599.1 and 6 more transcripts); c.1147A>G, p.Arg383Gly (NM_001406610.1, NM_001162427.2); and 1 more; short protein forms R312G, R383G, R433G, R116G, R313G, R382G, R117G, R434G.
Identifiers: ClinVar variation 5031229 (VCV005031229.1).

ClinVar aggregate classification (germline): Uncertain significance (1 of 4 stars; one submission).

Conditions:
Hereditary cancer-predisposing syndrome. Also called: Neoplastic Syndromes, Hereditary; Tumor predisposition; Hereditary neoplastic syndrome; Hereditary Cancer Syndrome. Identifiers: Orphanet 140162, MedGen C0027672, MeSH D009386, MONDO:0015356.

Submission:

Ambry Genetics
Classification: Uncertain significance for Hereditary cancer-predisposing syndrome. Last evaluated: 2026-07-07. Review status: criteria provided, single submitter. Criteria: Ambry Variant Classification Scheme 2023. Collection method: clinical testing. Allele origin: germline.
Comment: The p.R434G variant (also known as c.1300A>G), located in coding exon 11 of the TSC1 gene, results from an A to G substitution at nucleotide position 1300. The arginine at codon 434 is replaced by glycine, an amino acid with dissimilar properties. This amino acid position is conserved. In addition, this alteration is predicted to be deleterious by in silico analysis. Based on the available evidence, the clinical significance of this variant remains unclear.